The following is an entry in ClinVar:

ClinVar aggregate classification (germline): not provided (0 of 4 stars; one submission).

Allele frequency attached by ClinVar (database versions not stated): gnomAD exomes 0.00004; TOPMed 0.00013; gnomAD 0.00016.
gnomAD v4.1: 67 of 1,612,164 alleles (0.0042%); highest among the groups gnomAD compares: East Asian, 0.098%; 1 homozygote.

Submission:

ITMI
No classification provided. Condition: AllHighlyPenetrant. Last evaluated: 2013-09-19. Review status: no classification provided. Collection method: reference population. Allele origin: germline.
Comment: Please see associated publication for description of ethnicities

Literature cited by the submitters: PubMed 24728327.

NM_004119.3(FLT3):c.190G>A (p.Gly64Arg)

Gene: FLT3 (fms related receptor tyrosine kinase 3; minus strand). Cytogenetic location: 13q12.2.
Variant type: single nucleotide variant.
Coding change: c.190G>A on transcript NM_004119.3 (MANE Select); coding-DNA position 190, G replaced by A.
Protein change: p.Gly64Arg; replaces glycine 64 with arginine.
Molecular consequence: missense variant. On other transcripts: non-coding transcript variant (1).
Genome position (GRCh38, 1-based): chr13:28,062,045, C>T on the plus strand (G>A on the coding strand, the complement: FLT3 is on the minus strand). VCF-style: chr13-28062045-C-T. GRCh37 (hg19) VCF-style: chr13-28636182-C-T.
Other names: short protein forms G64R.
Identifiers: ClinVar variation 134443 (VCV000134443.1), dbSNP rs376895552, ClinGen allele CA159834.